The following is an entry in ClinVar:

NM_006514.4(SCN10A):c.4502G>A (p.Ser1501Asn)

Gene: SCN10A (sodium voltage-gated channel alpha subunit 10; minus strand). Cytogenetic location: 3p22.2.
Variant type: single nucleotide variant.
Coding change: c.4502G>A on transcript NM_006514.4 (MANE Select); coding-DNA position 4502, G replaced by A.
Protein change: p.Ser1501Asn; replaces serine 1501 with asparagine.
Molecular consequence: missense variant.
Genome position (GRCh38, 1-based): chr3:38,701,994, C>T on the plus strand (G>A on the coding strand, the complement: SCN10A is on the minus strand). VCF-style: chr3-38701994-C-T. GRCh37 (hg19) VCF-style: chr3-38743485-C-T.
Other names: c.4499G>A, p.Ser1500Asn (NM_001293306.2); c.4208G>A, p.Ser1403Asn (NM_001293307.2); short protein forms S1403N, S1500N, S1501N.
Identifiers: ClinVar variation 1399759 (VCV001399759.8), dbSNP rs2063161330, ClinGen allele CA352146492.

ClinVar aggregate classification (germline): Uncertain significance (1 of 4 stars; one submission).

Conditions:
Brugada syndrome. Also called: Sudden unexplained nocturnal death syndrome; Sudden unexpected nocturnal death syndrome; Sudden Unexplained Death Syndrome; Sudden Unexplained Nocturnal Death Syndrome (SUNDS). Identifiers: Orphanet 130, MedGen C1142166, MONDO:0015263.

Allele frequency attached by ClinVar (database versions not stated): gnomAD exomes below 0.00001; TOPMed below 0.00001.
gnomAD v4.1: 2 of 1,614,160 alleles (0.00012%); highest among the groups gnomAD compares: Admixed American, 0.0017%; no homozygotes.

Submission:

Labcorp Genetics (formerly Invitae), Labcorp
Classification: Uncertain significance for Brugada syndrome. Last evaluated: 2025-09-02. Review status: criteria provided, single submitter. Criteria: Invitae Variant Classification Sherloc (09022015). Collection method: clinical testing. Allele origin: germline.
Comment: This sequence change replaces serine, which is neutral and polar, with asparagine, which is neutral and polar, at codon 1501 of the SCN10A protein (p.Ser1501Asn). This variant is not present in population databases (gnomAD no frequency). This variant has not been reported in the literature in individuals affected with SCN10A-related conditions. ClinVar contains an entry for this variant (Variation ID: 1399759). Invitae Evidence Modeling of protein sequence and biophysical properties (such as structural, functional, and spatial information, amino acid conservation, physicochemical variation, residue mobility, and thermodynamic stability) indicates that this missense variant is not expected to disrupt SCN10A protein function with a negative predictive value of 80%. In summary, the available evidence is currently insufficient to determine the role of this variant in disease. Therefore, it has been classified as a Variant of Uncertain Significance.